The following is an entry in ClinVar:

NM_001034853.2(RPGR):c.2572_2587dup (p.Glu863fs)

Gene: RPGR (retinitis pigmentosa GTPase regulator; minus strand). Cytogenetic location: Xp11.4.
Variant type: Duplication.
Coding change: c.2572_2587dup on transcript NM_001034853.2 (MANE Select); coding-DNA positions 2572 to 2587, 16 bases duplicated (GGGGAGGAAGAAGGGG).
Protein change: p.Glu863fs; shifts the reading frame from glutamic acid 863.
Molecular consequence: frameshift variant. On other transcripts: intron variant (8).
Genome position (GRCh38, 1-based): chrX:38,286,412-38,286,427, CCCCTTCTTCCTCCCC duplicated on the plus strand (GGGGAGGAAGAAGGGG on the coding strand, the reverse complement: RPGR is on the minus strand). VCF-style (leftmost placement, unchanged base first): chrX-38286411-T-TCCCCTTCTTCCTCCCC. GRCh37 (hg19) VCF-style: chrX-38145664-T-TCCCCTTCTTCCTCCCC.
Other names: c.1569+4532_1569+4547dup (NM_001367249.1, NM_001367250.1); c.1902+667_1902+682dup (NM_001367245.1); c.1386+4532_1386+4547dup (NM_001367251.1); c.1719+667_1719+682dup (NM_001367246.1); c.1572+4532_1572+4547dup (NM_001367247.1); c.1905+667_1905+682dup (NM_000328.3); c.1602+4532_1602+4547dup (NM_001367248.1); short protein forms E863fs.
Identifiers: ClinVar variation 5002057 (VCV005002057.1).
Genomic context (GRCh38, chrX:38,286,411, plus strand): 5'-CCTTCCTCCTCTTCCCCCTCCCCTTCTCCTTCCTCCCCTTCTTCCTCCCCTTCTCCTTCT[T>TCCCCTTCTTCCTCCCC]CCCCTTCTTCCTCCCCTTTCCCTTCTCCTTCCTCCTCTTCCCCCTCCCCTTCCTCCTCTT-3'

ClinVar aggregate classification (germline): Pathogenic (1 of 4 stars; one submission).

Conditions:
RPGR-related disorder. Also called: RPGR-related condition.

Submission:

PreventionGenetics, part of Exact Sciences
Classification: Pathogenic for RPGR-related condition. Last evaluated: 2024-10-24. Review status: criteria provided, single submitter. Criteria: ACMG Guidelines, 2015. Collection method: clinical testing. Allele origin: germline.
Comment: The RPGR c.2572_2587dup16 variant is predicted to result in a frameshift and premature protein termination (p.Glu863Glyfs*221). To our knowledge, this variant has not been reported in the literature or in a large population database (gnomAD), indicating this variant is rare. Frameshift variants in RPGR have been well-documented to cause X-linked retinitis pigmentosa (Carss et al. 2017. PubMed ID: 28041643; Martin-Merida et al. 2019. PubMed ID: 30902645). We interpret this variant as pathogenic.